The following is an entry in ClinVar:

ClinVar aggregate classification (germline): Uncertain significance. Review status: criteria provided, multiple submitters, no conflicts (2 of 4 stars). 2 submissions from 2 submitters: Uncertain significance (2). Last evaluated 2026-01-16.

Conditions:
Primary dilated cardiomyopathy (DCM). Also called: Dilated Cardiomyopathy. Identifiers: Orphanet 217604, MedGen C0007193, MeSH D002311, MONDO:0005021, HP:0001644. Inheritance: Various modes of inheritance.

Allele frequency attached by ClinVar (database versions not stated): gnomAD exomes below 0.00001; gnomAD 0.00001; TOPMed 0.00001.
gnomAD v4.1: 4 of 1,606,932 alleles (0.00025%); highest among the groups gnomAD compares: Non-Finnish European, 0.00026%; no homozygotes.

Submissions (2):

Labcorp Genetics (formerly Invitae), Labcorp
Classification: Uncertain significance for Primary dilated cardiomyopathy. Last evaluated: 2026-01-16. Review status: criteria provided, single submitter. Criteria: Invitae Variant Classification Sherloc (09022015). Collection method: clinical testing. Allele origin: germline.
Comment: This sequence change replaces methionine, which is neutral and non-polar, with valine, which is neutral and non-polar, at codon 868 of the NEBL protein (p.Met868Val). This variant is present in population databases (no rsID available, gnomAD 0.002%). This variant has not been reported in the literature in individuals affected with NEBL-related conditions. ClinVar contains an entry for this variant (Variation ID: 854467). An algorithm developed to predict the effect of missense changes on protein structure and function (PolyPhen-2) suggests that this variant is likely to be tolerated. In summary, the available evidence is currently insufficient to determine the role of this variant in disease. Therefore, it has been classified as a Variant of Uncertain Significance.

Ambry Genetics
Classification: Uncertain significance. Last evaluated: 2025-10-18. Review status: criteria provided, single submitter. Criteria: Ambry Variant Classification Scheme 2023. Collection method: clinical testing. Allele origin: germline.

NM_006393.3(NEBL):c.2602A>G (p.Met868Val)

Gene: NEBL (nebulette; minus strand). Cytogenetic location: 10p12.31.
Variant type: single nucleotide variant.
Coding change: c.2602A>G on transcript NM_006393.3 (MANE Select); coding-DNA position 2602, A replaced by G.
Protein change: p.Met868Val; replaces methionine 868 with valine.
Molecular consequence: missense variant. On other transcripts: intron variant (8).
Genome position (GRCh38, 1-based): chr10:20,809,815, T>C on the plus strand (A>G on the coding strand, the complement: NEBL is on the minus strand). VCF-style: chr10-20809815-T-C. GRCh37 (hg19) VCF-style: chr10-21098744-T-C.
Other names: c.613A>G, p.Met205Val (NM_001377322.1); c.421+2954A>G (NM_001377326.1, NM_001377327.1, NM_001377328.1); c.529+2954A>G (NM_213569.2, NM_001173484.2); c.472+2954A>G (NM_001377324.1); c.463+2954A>G (NM_001377325.1); c.481+2954A>G (NM_001377323.1); short protein forms M205V, M868V.
Identifiers: ClinVar variation 854467 (VCV000854467.13), dbSNP rs908360300, ClinGen allele CA204162341.